The following is an entry in ClinVar:

NM_000138.5(FBN1):c.7403G>A (p.Cys2468Tyr)

Gene: FBN1 (fibrillin 1; minus strand). Cytogenetic location: 15q21.1.
Variant type: single nucleotide variant.
Coding change: c.7403G>A on transcript NM_000138.5 (MANE Select); coding-DNA position 7403, G replaced by A.
Protein change: p.Cys2468Tyr; replaces cysteine 2468 with tyrosine.
Molecular consequence: missense variant.
Genome position (GRCh38, 1-based): chr15:48,425,419, C>T on the plus strand (G>A on the coding strand, the complement: FBN1 is on the minus strand). VCF-style: chr15-48425419-C-T. GRCh37 (hg19) VCF-style: chr15-48717616-C-T.
Other names: short protein forms C2468Y.
Identifiers: ClinVar variation 519787 (VCV000519787.10), dbSNP rs1555394400, ClinGen allele CA392327788.
Genomic context (GRCh38, chr15:48,425,419, plus strand): 5'-TCTACTTTACCTTTGCAGCTCCTTCCATCCTCTTGCAGAATGTAGCCTTTCGGGCATGAA[C>T]ACTGGTAACTCCCTTCTGTGTTTTTGCAGATAAAATTGCAGGGTTTGGGAGCCTGGTTGC-3'
Protein context (NP_000129.3, residues 2458-2478): ICKNTEGSYQ[Cys2468Tyr]SCPKGYILQE

ClinVar aggregate classification (germline): Pathogenic/Likely pathogenic. Review status: criteria provided, multiple submitters, no conflicts (2 of 4 stars). 2 submissions from 2 submitters: Pathogenic (1); Likely pathogenic (1). Last evaluated 2022-02-11.

Conditions:
Familial thoracic aortic aneurysm and aortic dissection (TAAD). Also called: Thoracic aortic aneurysms and dissections. Identifiers: Orphanet 91387, MedGen C4707243, MONDO:0019625.
Marfan syndrome (MFS). Also called: Marfan syndrome type 1; Marfan syndrome, classic; Marfan's syndrome; FBN1-Related Marfan Syndrome; MARFAN SYNDROME, TYPE I. Identifiers: Orphanet 284963, Orphanet 558, MedGen C0024796, MONDO:0007947, OMIM 154700.

Submissions (2):

Labcorp Genetics (formerly Invitae), Labcorp
Classification: Pathogenic for Marfan syndrome; Familial thoracic aortic aneurysm and aortic dissection. Last evaluated: 2022-02-11. Review status: criteria provided, single submitter. Criteria: Invitae Variant Classification Sherloc (09022015). Collection method: clinical testing. Allele origin: germline.
Comment: This sequence change replaces cysteine, which is neutral and slightly polar, with tyrosine, which is neutral and polar, at codon 2468 of the FBN1 protein (p.Cys2468Tyr). This variant is not present in population databases (gnomAD no frequency). This missense change has been observed in individuals with clinical features of Marfan syndrome (PMID: 27906200; Invitae). ClinVar contains an entry for this variant (Variation ID: 519787). This variant affects a cysteine residue in the EGF-like, TGFBP or hybrid motif domains of FBN1. Cysteine residues are believed to be involved in intramolecular disulfide bridges and have been shown to be important for FBN1 protein structure (PMID: 16905551, 19349279). In addition, missense substitutions affecting cysteine residues within these domains are significantly overrepresented among patients with Marfan syndrome (PMID: 16571647, 17701892). Advanced modeling of protein sequence and biophysical properties (such as structural, functional, and spatial information, amino acid conservation, physicochemical variation, residue mobility, and thermodynamic stability) performed at Invitae indicates that this missense variant is expected to disrupt FBN1 protein function. This variant disrupts the p.Cys2468 amino acid residue in FBN1. Other variant(s) that disrupt this residue have been observed in individuals with FBN1-related conditions (Invitae), which suggests that this may be a clinically significant amino acid residue. For these reasons, this variant has been classified as Pathogenic.

Ambry Genetics
Classification: Likely pathogenic for Familial thoracic aortic aneurysm and aortic dissection. Last evaluated: 2017-08-24. Review status: criteria provided, single submitter. Criteria: Ambry Variant Classification Scheme 2023. Collection method: clinical testing. Allele origin: germline.
Comment: The p.C2468Y variant (also known as c.7403G>A), located in coding exon 59 of the FBN1 gene, results from a G to A substitution at nucleotide position 7403. The cysteine at codon 2468 is replaced by tyrosine, an amino acid with highly dissimilar properties, and is located in the cbEGF-like #38 domain. The majority of FBN1 mutations identified to date have involved the substitution or generation of cysteine residues within cbEGF domains (Vollbrandt T et al. J Biol Chem. 2004;279(31):32924-32931). This variant has been reported as a de novo variant in a proband with Marfan Syndrome in the UMD database (Groth KA et al. Genet. Med., 2017 07;19:772-777). Based on structural analysis, this particular alteration is expected to cause the loss of a disulfide bond and impact the structural integrity of the cbEGF-like #38 domain (Ambry internal data). This amino acid position is highly conserved in available vertebrate species. In addition, this alteration is predicted to be deleterious by in silico analysis. Based on the majority of available evidence to date, this variant is likely to be pathogenic.

Literature cited by the submitters: PubMed 27906200 (cited by Labcorp Genetics (formerly Invitae), Labcorp and Ambry Genetics); PubMed 16905551 (cited by Labcorp Genetics (formerly Invitae), Labcorp); PubMed 19349279 (cited by Labcorp Genetics (formerly Invitae), Labcorp); PubMed 16571647 (cited by Labcorp Genetics (formerly Invitae), Labcorp); PubMed 17701892 (cited by Labcorp Genetics (formerly Invitae), Labcorp).